The following is an entry in ClinVar:

ClinVar aggregate classification (germline): Likely benign. Review status: criteria provided, multiple submitters, no conflicts (2 of 4 stars). 5 submissions from 5 submitters: Likely benign (5). Last evaluated 2025-12-29.

Conditions:
Idiopathic Pulmonary Fibrosis. Also called: Idiopathic fibrosing alveolitis, chronic form; idiopathic fibrosing alveolitis. Identifiers: Orphanet 2032, MedGen C1800706, MeSH D054990, MONDO:0800504.
Dyskeratosis congenita, autosomal dominant 2. Identifiers: MedGen C3151443, MONDO:0013521, OMIM 613989.
Dyskeratosis congenita. Identifiers: Orphanet 1775, MedGen C0265965, MONDO:0015780.

Allele frequency attached by ClinVar (database versions not stated): gnomAD 0.00001 and 0.00003; ExAC 0.00003; TOPMed 0.00005; gnomAD exomes 0.00006 and 0.00009; ESP Exome Variant Server 0.00008.
gnomAD v4.1: 138 of 1,613,920 alleles (0.0086%); highest among the groups gnomAD compares: Non-Finnish European, 0.011%; no homozygotes.

Submissions (5):

Labcorp Genetics (formerly Invitae), Labcorp
Classification: Likely benign for Dyskeratosis congenita, autosomal dominant 2; Idiopathic Pulmonary Fibrosis. Last evaluated: 2025-12-29. Review status: criteria provided, single submitter. Criteria: Invitae Variant Classification Sherloc (09022015). Collection method: clinical testing. Allele origin: germline.

CeGaT Center for Human Genetics Tuebingen
Classification: Likely benign. Last evaluated: 2024-11-01. Review status: criteria provided, single submitter. Criteria: CeGaT Center For Human Genetics Tuebingen Variant Classification Criteria Version 2. Collection method: clinical testing. Allele origin: germline. Affected: yes. Observed: 2 variant alleles.
Comment: TERT: BP4, BP7

Blueprint Genetics
Classification: Likely benign. Last evaluated: 2024-08-27. Review status: criteria provided, single submitter. Criteria: ACMG Guidelines, 2015. Collection method: clinical testing. Allele origin: germline.

Ambry Genetics
Classification: Likely benign for Dyskeratosis congenita. Last evaluated: 2022-02-13. Review status: criteria provided, single submitter. Criteria: Ambry Variant Classification Scheme 2023. Collection method: clinical testing. Allele origin: germline.

Genetic Services Laboratory, University of Chicago
Classification: Likely benign. Last evaluated: 2020-06-12. Review status: criteria provided, single submitter. Criteria: ACMG Guidelines, 2015. Collection method: clinical testing. Allele origin: germline. Affected: no.

NM_198253.3(TERT):c.1896G>A (p.Pro632=)

Gene: TERT (telomerase reverse transcriptase; minus strand). Cytogenetic location: 5p15.33.
Variant type: single nucleotide variant.
Coding change: c.1896G>A on transcript NM_198253.3 (MANE Select); coding-DNA position 1896, G replaced by A.
Protein change: p.Pro632=; no amino-acid change (proline 632 retained).
Molecular consequence: synonymous variant. On other transcripts: non-coding transcript variant (2).
Genome position (GRCh38, 1-based): chr5:1,280,212, C>T on the plus strand (G>A on the coding strand, the complement: TERT is on the minus strand). VCF-style: chr5-1280212-C-T. GRCh37 (hg19) VCF-style: chr5-1280327-C-T.
Other names: c.1896G>A, p.Pro632= (NM_001193376.3).
Identifiers: ClinVar variation 416294 (VCV000416294.42), dbSNP rs140056333, ClinGen allele CA3184735.